The following is an entry in ClinVar:

ClinVar aggregate classification (germline): Uncertain significance (1 of 4 stars; one submission).

Conditions:
Wilson disease (WND). Also called: Wilson's disease. Identifiers: Orphanet 905, MedGen C0019202, MONDO:0010200, OMIM 277900. Disease mechanism: loss of function.

Allele frequency attached by ClinVar (database versions not stated): gnomAD exomes below 0.00001.
gnomAD v4.1: 3 of 1,613,898 alleles (0.00019%); highest among the groups gnomAD compares: Non-Finnish European, 0.00025%; no homozygotes.

Submission:

Labcorp Genetics (formerly Invitae), Labcorp
Classification: Uncertain significance for Wilson disease. Last evaluated: 2021-08-30. Review status: criteria provided, single submitter. Criteria: Invitae Variant Classification Sherloc (09022015). Collection method: clinical testing. Allele origin: germline.
Comment: This sequence change replaces glycine with aspartic acid at codon 280 of the ATP7B protein (p.Gly280Asp). The glycine residue is moderately conserved and there is a moderate physicochemical difference between glycine and aspartic acid. This variant is not present in population databases (ExAC no frequency). This variant has not been reported in the literature in individuals affected with ATP7B-related conditions. Algorithms developed to predict the effect of missense changes on protein structure and function are either unavailable or do not agree on the potential impact of this missense change (SIFT: "Deleterious"; PolyPhen-2: "Benign"; Align-GVGD: "Class C0"). In summary, the available evidence is currently insufficient to determine the role of this variant in disease. Therefore, it has been classified as a Variant of Uncertain Significance.

NM_000053.4(ATP7B):c.839G>A (p.Gly280Asp)

Gene: ATP7B (ATPase copper transporting beta; minus strand). Cytogenetic location: 13q14.3.
Variant type: single nucleotide variant.
Coding change: c.839G>A on transcript NM_000053.4 (MANE Select); coding-DNA position 839, G replaced by A.
Protein change: p.Gly280Asp; replaces glycine 280 with aspartic acid.
Molecular consequence: missense variant. On other transcripts: intron variant (1).
Genome position (GRCh38, 1-based): chr13:51,974,381, C>T on the plus strand (G>A on the coding strand, the complement: ATP7B is on the minus strand). VCF-style: chr13-51974381-C-T. GRCh37 (hg19) VCF-style: chr13-52548517-C-T.
Other names: c.839G>A, p.Gly280Asp (NM_001005918.3, NM_001330578.2, NM_001330579.2); c.802+37G>A (NM_001243182.2); short protein forms G280D.
Identifiers: ClinVar variation 959647 (VCV000959647.7), dbSNP rs1411428188, ClinGen allele CA388040995.